The following is an entry in ClinVar:

NM_017780.4(CHD7):c.1797del (p.Lys601fs)

Genes: CHD7 (chromodomain helicase DNA binding protein 7; plus strand), LOC126860403 (CDK7 strongly-dependent group 2 enhancer GRCh37_chr8:61693034-61694233; plus strand). Cytogenetic location: 8q12.2.
Variant type: Deletion.
Coding change: c.1797del on transcript NM_017780.4 (MANE Select); coding-DNA position 1797, one base deleted (G; older notation c.1797delG).
Protein change: p.Lys601fs; shifts the reading frame from lysine 601.
Molecular consequence: frameshift variant. On other transcripts: intron variant (1).
Genome position (GRCh38, 1-based): chr8:60,781,131, G deleted. VCF-style (leftmost placement, unchanged base first): chr8-60781130-AG-A. GRCh37 (hg19) VCF-style: chr8-61693689-AG-A.
Other names: c.1797del (LRG_176t1); c.1716+81del (NM_001316690.1); short protein forms K601fs.
Identifiers: ClinVar variation 426844 (VCV000426844.2), dbSNP rs1085307830, ClinGen allele CA645294047.

ClinVar aggregate classification (germline): Pathogenic (1 of 4 stars; one submission).

Submission:

GeneDx
Classification: Pathogenic. Last evaluated: 2017-03-31. Review status: criteria provided, single submitter. Criteria: GeneDx Variant Classification (06012015). Collection method: clinical testing. Allele origin: germline. Affected: yes.
Comment: The c.1797delG variant in the CHD7 gene has not been reported previously as a pathogenic variant nor as a benign variant, to our knowledge. It is not observed in large population cohorts (Lek et al., 2016; 1000 Genomes Consortium et al., 2015; Exome Variant Server). The c.1797delG variant causes a frameshift starting with codon Lysine 601, changes this amino acid to a Arginine residue, and creates a premature Stop codon at position7 of the new reading frame, denoted p.Lys601ArgfsX7. This variant is predicted to cause loss of normal protein function either through protein truncation or nonsense-mediated mRNA decay.